The following is an entry in ClinVar:

ClinVar aggregate classification (germline): Pathogenic. Review status: criteria provided, single submitter (1 of 4 stars). 2 submissions from 2 submitters: Pathogenic (1). 1 of the submissions does not count toward it. Last evaluated 2024-04-24.

Conditions:
Ataxia-telangiectasia syndrome (AT). Also called: LOUIS-BAR SYNDROME; Cerebello-oculocutaneous telangiectasia; Immunodeficiency with ataxia telangiectasia; Ataxia-telangiectasia, complementation group D; AT, COMPLEMENTATION GROUP C; Ataxia-telangiectasia, complementation group E. Identifiers: Orphanet 100, MedGen C0004135, MONDO:0008840, OMIM 208900.

Submissions (2):

Labcorp Genetics (formerly Invitae), Labcorp
Classification: Pathogenic for Ataxia-telangiectasia syndrome. Last evaluated: 2024-04-24. Review status: criteria provided, single submitter. Criteria: Invitae Variant Classification Sherloc (09022015). Collection method: clinical testing. Allele origin: germline.
Comment: This sequence change creates a premature translational stop signal (p.Gly2863Valfs*15) in the ATM gene. It is expected to result in an absent or disrupted protein product. Loss-of-function variants in ATM are known to be pathogenic (PMID: 23807571, 25614872). This variant is not present in population databases (gnomAD no frequency). This variant has not been reported in the literature in individuals affected with ATM-related conditions. ClinVar contains an entry for this variant (Variation ID: 487444). Algorithms developed to predict the effect of sequence changes on RNA splicing suggest that this variant may disrupt the consensus splice site. For these reasons, this variant has been classified as Pathogenic.

Counsyl
Classification: Likely pathogenic for Ataxia-telangiectasia syndrome. Last evaluated: 2017-05-03. Review status: no assertion criteria provided. Collection method: clinical testing. Allele origin: unknown. Not counted in ClinVar's aggregate classification.

Literature cited by the submitters: PubMed 23807571 (cited by Labcorp Genetics (formerly Invitae), Labcorp); PubMed 25614872 (cited by Labcorp Genetics (formerly Invitae), Labcorp).

NM_000051.4(ATM):c.8586del (p.Gly2863fs)

Genes: ATM (ATM serine/threonine kinase; plus strand), C11orf65 (chromosome 11 open reading frame 65; minus strand). Cytogenetic location: 11q22.3.
Variant type: Deletion.
Coding change: c.8586del on transcript NM_000051.4 (MANE Select); coding-DNA position 8586, one base deleted (T; older notation c.8586delT).
Protein change: p.Gly2863fs; shifts the reading frame from glycine 2863.
Molecular consequence: frameshift variant. On other transcripts: intron variant (2).
Genome position (GRCh38, 1-based): chr11:108,347,280, T deleted; the last of 2 consecutive T bases (chr11:108,347,279-108,347,280); deleting either gives the same sequence. VCF-style (leftmost placement, unchanged base first): chr11-108347278-GT-G. GRCh37 (hg19) VCF-style: chr11-108218005-GT-G.
Other names: c.8586del, p.Gly2863fs (NM_001351834.2); c.641-38208del (NM_001330368.2); c.695-11987del (NM_001351110.2); short protein forms G2863fs.
Identifiers: ClinVar variation 487444 (VCV000487444.6), dbSNP rs1555139467, ClinGen allele CA658656265.